The following is an entry in ClinVar:

NM_152328.5(ADSS1):c.1049C>T (p.Ala350Val)

Gene: ADSS1 (adenylosuccinate synthase 1; plus strand). Cytogenetic location: 14q32.33.
Variant type: single nucleotide variant.
Coding change: c.1049C>T on transcript NM_152328.5 (MANE Select); coding-DNA position 1049, C replaced by T.
Protein change: p.Ala350Val; replaces alanine 350 with valine.
Molecular consequence: missense variant.
Genome position (GRCh38, 1-based): chr14:104,743,167, C>T. VCF-style: chr14-104743167-C-T. GRCh37 (hg19) VCF-style: chr14-105209504-C-T.
Other names: c.434C>T, p.Ala145Val (NM_001320424.1); c.1178C>T, p.Ala393Val (NM_199165.2); short protein forms A145V, A350V, A393V.
Identifiers: ClinVar variation 1681996 (VCV001681996.6), dbSNP rs771148703, ClinGen allele CA7373986.

ClinVar aggregate classification (germline): Uncertain significance (1 of 4 stars; one submission).

Allele frequency attached by ClinVar (database versions not stated): TOPMed below 0.00001; gnomAD 0.00001; gnomAD exomes 0.00001 and 0.00003; ExAC 0.00002.
gnomAD v4.1: 43 of 1,611,840 alleles (0.0027%); highest among the groups gnomAD compares: Non-Finnish European, 0.0035%; no homozygotes.

Submission:

Labcorp Genetics (formerly Invitae), Labcorp
Classification: Uncertain significance. Last evaluated: 2025-06-20. Review status: criteria provided, single submitter. Criteria: Invitae Variant Classification Sherloc (09022015). Collection method: clinical testing. Allele origin: germline.
Comment: This sequence change replaces alanine, which is neutral and non-polar, with valine, which is neutral and non-polar, at codon 393 of the ADSSL1 protein (p.Ala393Val). This variant is present in population databases (rs771148703, gnomAD 0.003%). This variant has not been reported in the literature in individuals affected with ADSSL1-related conditions. ClinVar contains an entry for this variant (Variation ID: 1681996). An algorithm developed to predict the effect of missense changes on protein structure and function (PolyPhen-2) suggests that this variant is likely to be tolerated. In summary, the available evidence is currently insufficient to determine the role of this variant in disease. Therefore, it has been classified as a Variant of Uncertain Significance.